The following is an entry in ClinVar:

ClinVar aggregate classification (germline): Uncertain significance (1 of 4 stars; one submission).

gnomAD v4.1: 1 of 1,610,480 alleles (0.000062%); highest among the groups gnomAD compares: Non-Finnish European, 0.000085%; no homozygotes.

Submission:

Labcorp Genetics (formerly Invitae), Labcorp
Classification: Uncertain significance. Last evaluated: 2022-05-03. Review status: criteria provided, single submitter. Criteria: Invitae Variant Classification Sherloc (09022015). Collection method: clinical testing. Allele origin: germline.
Comment: This variant is not present in population databases (gnomAD no frequency). Algorithms developed to predict the effect of missense changes on protein structure and function are either unavailable or do not agree on the potential impact of this missense change (SIFT: "Deleterious"; PolyPhen-2: "Possibly Damaging"; Align-GVGD: "Class C0"). This variant has not been reported in the literature in individuals affected with MICAL1-related conditions. In summary, the available evidence is currently insufficient to determine the role of this variant in disease. Therefore, it has been classified as a Variant of Uncertain Significance. This sequence change replaces glutamine, which is neutral and polar, with proline, which is neutral and non-polar, at codon 910 of the MICAL1 protein (p.Gln910Pro).

NM_022765.4(MICAL1):c.2672A>C (p.Gln891Pro)

Gene: MICAL1 (microtubule associated monooxygenase, calponin and LIM domain containing 1; minus strand). Cytogenetic location: 6q21.
Variant type: single nucleotide variant.
Coding change: c.2672A>C on transcript NM_022765.4 (MANE Select); coding-DNA position 2672, A replaced by C.
Protein change: p.Gln891Pro; replaces glutamine 891 with proline.
Molecular consequence: missense variant.
Genome position (GRCh38, 1-based): chr6:109,445,772, T>G on the plus strand (A>C on the coding strand, the complement: MICAL1 is on the minus strand). VCF-style: chr6-109445772-T-G. GRCh37 (hg19) VCF-style: chr6-109766975-T-G.
Other names: c.2414A>C, p.Gln805Pro (NM_001159291.2); c.2729A>C, p.Gln910Pro (NM_001286613.2); short protein forms Q805P, Q891P, Q910P.
Identifiers: ClinVar variation 2133221 (VCV002133221.4), dbSNP rs1775187205, ClinGen allele CA365222451.